The following is an entry in ClinVar:

NM_177972.3(TUB):c.999G>A (p.Arg333=)

Genes: RIC3 (RIC3 acetylcholine receptor chaperone; minus strand), TUB (TUB bipartite transcription factor; plus strand). Cytogenetic location: 11p15.4.
Variant type: single nucleotide variant.
Coding change: c.999G>A on transcript NM_177972.3 (MANE Select); coding-DNA position 999, G replaced by A.
Protein change: p.Arg333=; no amino-acid change (arginine 333 retained).
Molecular consequence: synonymous variant.
Genome position (GRCh38, 1-based): chr11:8,098,758, G>A. VCF-style: chr11-8098758-G-A. GRCh37 (hg19) VCF-style: chr11-8120305-G-A.
Other names: c.1164G>A, p.Arg388= (NM_003320.5).
Identifiers: ClinVar variation 2096732 (VCV002096732.4), dbSNP rs2539266735, ClinGen allele CA473009875.
Genomic context (GRCh38, chr11:8,098,758, plus strand): 5'-CTGTTCCCTGCTCTGGGGCAGAGGGTGCATGACTCTATACTGATTGTGCCTTTATTTCAG[G>A]TCCAACTTGATGGGCACCAAGTTCACTGTTTATGACAATGGAGTCAACCCTCAGAAGGCC-3'
Protein context (NP_813977.1, residues 323-343): RGGDSYIGKL[Arg333=]SNLMGTKFTV

ClinVar aggregate classification (germline): Uncertain significance (1 of 4 stars; one submission).

Submission:

Labcorp Genetics (formerly Invitae), Labcorp
Classification: Uncertain significance. Last evaluated: 2022-08-16. Review status: criteria provided, single submitter. Criteria: Invitae Variant Classification Sherloc (09022015). Collection method: clinical testing. Allele origin: germline.
Comment: In summary, the available evidence is currently insufficient to determine the role of this variant in disease. Therefore, it has been classified as a Variant of Uncertain Significance. Algorithms developed to predict the effect of sequence changes on RNA splicing suggest that this variant is not likely to affect RNA splicing. This variant has not been reported in the literature in individuals affected with TUB-related conditions. This variant is not present in population databases (gnomAD no frequency). This sequence change affects codon 388 of the TUB mRNA. It is a 'silent' change, meaning that it does not change the encoded amino acid sequence of the TUB protein. It affects a nucleotide within the consensus splice site.